The following is an entry in ClinVar:

ClinVar aggregate classification (germline): Conflicting classifications of pathogenicity. Review status: criteria provided, conflicting classifications (1 of 4 stars). 30 submissions from 28 submitters: Pathogenic (2); Uncertain significance (16); Benign (3); Likely benign (4). 5 of the submissions do not count toward it. Last evaluated 2026-08-06.

Conditions:
Cystic fibrosis diagnostic test.
CFTR-related disorder (CFTR-RD). Also called: CFTR-related condition; CFTR-related disorders. Identifiers: MedGen C5924204, MONDO:7770004.
Hereditary pancreatitis (PCTT). Also called: Hereditary chronic pancreatitis; PRSS1-Related Hereditary Pancreatitis. Identifiers: Orphanet 676, MedGen C0238339, MONDO:0008185, OMIM 167800.
Bronchiectasis with or without elevated sweat chloride 1 (BESC1). Also called: Cystic Fibrosis-Like Syndrome. Identifiers: Orphanet 60033, MedGen C2749757, MONDO:0008887, OMIM 211400.
Congenital bilateral aplasia of vas deferens from CFTR mutation (CBAVD). Identifiers: Orphanet 48, MedGen C0403814, MONDO:0010178, OMIM 277180. Disease mechanism: loss of function.
Cystic fibrosis (CF). Also called: MUCOVISCIDOSIS. Identifiers: Orphanet 586, MedGen C0010674, MONDO:0009061, OMIM 219700. Disease mechanism: loss of function.
Lung disease, non-specific.
Chronic sinusitis. Identifiers: MedGen C0149516, MONDO:0006031, HP:0011109.

Allele frequency attached by ClinVar (database versions not stated): 1000 Genomes Project 0.00280; ESP Exome Variant Server 0.00623; gnomAD exomes 0.00849 and 0.00600; gnomAD 0.00603 and 0.00625; 1000 Genomes Project 30x 0.00281; TOPMed 0.00593; ExAC 0.00615.
gnomAD v4.1: 13,272 of 1,613,866 alleles (0.82%); highest among the groups gnomAD compares: Non-Finnish European, 1%; 60 homozygotes.

Submissions 1 to 11 of 30:

NHS Central & South Genomic Laboratory Hub
Classification: Uncertain significance for Cystic fibrosis diagnostic test. Last evaluated: 2026-08-06. Review status: criteria provided, single submitter. Criteria: ACMG Guidelines, 2015. Collection method: clinical testing. Allele origin: germline. Affected: yes.

CeGaT Center for Human Genetics Tuebingen
Classification: Pathogenic. Last evaluated: 2026-07-01. Review status: criteria provided, single submitter. Criteria: CeGaT Center For Human Genetics Tuebingen Variant Classification Criteria Version 2. Collection method: clinical testing. Allele origin: germline. Affected: yes. Observed: 21 variant alleles.
Comment: CFTR: PM3:Very Strong, PM2:Supporting, PP3, PS3:Supporting

Ambry Genetics
Classification: Uncertain significance for Cystic fibrosis. Last evaluated: 2026-05-19. Review status: criteria provided, single submitter. Criteria: Ambry Variant Classification Scheme 2023. Collection method: clinical testing. Allele origin: germline.
Comment: The p.R668C variant (also known as c.2002C>T), located in coding exon 14 of the CFTR gene, results from a C to T substitution at nucleotide position 2002. The arginine at codon 668 is replaced by cysteine, an amino acid with highly dissimilar properties. In one study, p.R668C was reported along with a second CFTR alteration in four men with azoospermia and congenital bilateral absence of the vas deferens (CBAVD) (Chill&oacute;n M et al. N. Engl. J. Med., 1995 Jun;332:1475-80). One study showed this alteration did not affect splicing but rather the p.G576A, which was found in cis with p.R668C, caused a variable extent of exon skipping (Pagani F et al. Hum. Mol. Genet., 2003 May;12:1111-20). Another functional study reported that this variant decreased but did not abolish chloride channel activity, which is consistent with a moderate phenotype (El-Seedy A et al. Hum. Mutat., 2012 Nov;33:1557-65). This variant has been seen in cis with the p.G576A, p.D443Y, and p.G149R alterations (El-Seedy A et al. Hum. Mutat., 2012 Nov;33:1557-65). This amino acid position is highly conserved in available vertebrate species. In addition, this alteration is predicted to be deleterious by in silico analysis. Based on available evidence to date, this variant is unlikely to be causative of classic CF; however, its contribution to the development of a CFTR-related disorder is uncertain. Thus, this alteration is classified as a variant of unknown significance.

Mendelics
Classification: Uncertain significance for Cystic fibrosis. Last evaluated: 2026-02-13. Review status: criteria provided, single submitter. Criteria: Mendelics Assertion Criteria 2019. Collection method: clinical testing. Allele origin: germline.
Comment: Variant NM_000492.4(CFTR):c.2002C>T (p.Arg668Cys) has gnomAD 4.1.0 frequency of 0.008224 with 60 homozygotes. According to ACMG criteria and given that the variant is known in the literature (cf. other submitters comments) interpretation has been updated to VUS.

Labcorp Genetics (formerly Invitae), Labcorp
Classification: Benign for Cystic fibrosis. Last evaluated: 2026-02-04. Review status: criteria provided, single submitter. Criteria: Invitae Variant Classification Sherloc (09022015). Collection method: clinical testing. Allele origin: germline.

Mayo Clinic Laboratories, Mayo Clinic
Classification: Uncertain significance. Last evaluated: 2025-11-24. Review status: criteria provided, single submitter. Criteria: ACMG Guidelines, 2015. Collection method: clinical testing. Allele origin: germline. Observed: 76 variant alleles.
Comment: PP3

Quest Diagnostics Nichols Institute San Juan Capistrano
Classification: Likely benign. Last evaluated: 2025-11-04. Review status: criteria provided, single submitter. Criteria: Quest Diagnostics criteria. Collection method: clinical testing. Allele origin: unknown.

Institute of Human Genetics, University of Leipzig Medical Center
Classification: Uncertain significance for Cystic fibrosis. Last evaluated: 2025-09-15. Review status: criteria provided, single submitter. Criteria: ACMG Guidelines, 2015. Collection method: clinical testing. Allele origin: unknown. Inheritance: Autosomal recessive inheritance. Affected: yes.
Comment: Criteria applied: PS3,PM3,PP3,BS2

Revvity Omics, Revvity
Classification: Uncertain significance. Last evaluated: 2025-07-28. Review status: criteria provided, single submitter. Criteria: ACMG Guidelines, 2015. Collection method: clinical testing. Allele origin: germline.

Blueprint Genetics
Classification: Likely benign. Last evaluated: 2024-11-25. Review status: criteria provided, single submitter. Criteria: ACMG Guidelines, 2015. Collection method: clinical testing. Allele origin: germline.

Greenwood Genetic Center Diagnostic Laboratories, Greenwood Genetic Center
Classification: Uncertain significance. Last evaluated: 2024-09-11. Review status: criteria provided, single submitter. Criteria: ACMG Guidelines, 2015. Collection method: clinical testing. Allele origin: germline. Affected: yes.
Comment: PP2

NM_000492.4(CFTR):c.2002C>T (p.Arg668Cys)

Gene: CFTR (CF transmembrane conductance regulator; plus strand). Cytogenetic location: 7q31.2.
Variant type: single nucleotide variant.
Coding change: c.2002C>T on transcript NM_000492.4 (MANE Select); coding-DNA position 2002, C replaced by T.
Protein change: p.Arg668Cys; replaces arginine 668 with cysteine.
Molecular consequence: missense variant.
Genome position (GRCh38, 1-based): chr7:117,592,169, C>T. VCF-style: chr7-117592169-C-T. GRCh37 (hg19) VCF-style: chr7-117232223-C-T.
Other names: short protein forms R668C.
Identifiers: ClinVar variation 35835 (VCV000035835.91), dbSNP rs1800100, ClinGen allele CA182840.
Genomic context (GRCh38, chr7:117,592,169, plus strand): 5'-GATTCTTTCGACCAATTTAGTGCAGAAAGAAGAAATTCAATCCTAACTGAGACCTTACAC[C>T]GTTTCTCATTAGAAGGAGATGCTCCTGTCTCCTGGACAGAAACAAAAAAACAATCTTTTA-3'
Protein context (NP_000483.3, residues 658-678): RNSILTETLH[Arg668Cys]FSLEGDAPVS